The following is an entry in ClinVar:

ClinVar aggregate classification (germline): Uncertain significance (1 of 4 stars; one submission).

Submission:

GeneDx
Classification: Uncertain significance. Last evaluated: 2026-03-04. Review status: criteria provided, single submitter. Criteria: GeneDx Variant Classification Process June 2021. Collection method: clinical testing. Allele origin: germline.
Comment: Not observed at significant frequency in large population cohorts (gnomAD); In silico analysis supports that this missense variant has a deleterious effect on protein structure/function; Has not been previously published as pathogenic or benign to our knowledge

NM_001291415.2(KDM6A):c.3042T>A (p.Asn1014Lys)

Gene: KDM6A (lysine demethylase 6A; plus strand). Cytogenetic location: Xp11.3.
Variant type: single nucleotide variant.
Coding change: c.3042T>A on transcript NM_001291415.2 (MANE Select); coding-DNA position 3042, T replaced by A.
Protein change: p.Asn1014Lys; replaces asparagine 1014 with lysine.
Molecular consequence: missense variant. On other transcripts: non-coding transcript variant (1).
Genome position (GRCh38, 1-based): chrX:45,078,453, T>A. VCF-style: chrX-45078453-T-A. GRCh37 (hg19) VCF-style: chrX-44937698-T-A.
Other names: c.1998T>A, p.Asn666Lys (NM_001291421.2); c.2784T>A, p.Asn928Lys (NM_001410742.1, NM_001419814.1); c.3042T>A, p.Asn1014Lys (NM_001419809.1); c.2940T>A, p.Asn980Lys (NM_001419810.1, NM_001419813.1); c.2907T>A, p.Asn969Lys (NM_001419811.1, NM_001291416.2); c.2886T>A, p.Asn962Lys (NM_001419812.1, NM_021140.4); c.2649T>A, p.Asn883Lys (NM_001419815.1, NM_001291418.2); c.2751T>A, p.Asn917Lys (NM_001291417.2); short protein forms N1014K, N666K, N883K, N917K, N928K, N962K, N969K, N980K.
Identifiers: ClinVar variation 4083416 (VCV004083416.2).